The following is an entry in ClinVar:

ClinVar aggregate classification (germline): Uncertain significance. Review status: criteria provided, single submitter (1 of 4 stars). 2 submissions from 2 submitters: Uncertain significance (1). 1 of the submissions does not count toward it. Last evaluated 2025-07-25.

Conditions:
Autosomal recessive severe congenital neutropenia due to CSF3R deficiency. Also called: Neutropenia, severe congenital, 7, autosomal recessive. Identifiers: Orphanet 420702, MedGen C4310764, MONDO:0014865, OMIM 617014.

Allele frequency attached by ClinVar (database versions not stated): TOPMed 0.00001; gnomAD exomes 0.00002 and 0.00003; ExAC 0.00003.
gnomAD v4.1: 27 of 1,614,176 alleles (0.0017%); highest among the groups gnomAD compares: Middle Eastern, 0.016%; 2 homozygotes.

Submissions (2):

Labcorp Genetics (formerly Invitae), Labcorp
Classification: Uncertain significance for Autosomal recessive severe congenital neutropenia due to CSF3R deficiency. Last evaluated: 2025-07-25. Review status: criteria provided, single submitter. Criteria: Invitae Variant Classification Sherloc (09022015). Collection method: clinical testing. Allele origin: germline.
Comment: This sequence change replaces threonine, which is neutral and polar, with methionine, which is neutral and non-polar, at codon 690 of the CSF3R protein (p.Thr690Met). This variant is present in population databases (rs764345289, gnomAD 0.006%). This variant has not been reported in the literature in individuals affected with CSF3R-related conditions. ClinVar contains an entry for this variant (Variation ID: 1379822). Invitae Evidence Modeling of protein sequence and biophysical properties (such as structural, functional, and spatial information, amino acid conservation, physicochemical variation, residue mobility, and thermodynamic stability) indicates that this missense variant is not expected to disrupt CSF3R protein function with a negative predictive value of 80%. In summary, the available evidence is currently insufficient to determine the role of this variant in disease. Therefore, it has been classified as a Variant of Uncertain Significance.

Genetic Services Laboratory, University of Chicago
Classification: Uncertain significance. Last evaluated: 2022-12-02. Review status: no assertion criteria provided. Collection method: clinical testing. Allele origin: germline. Affected: no. Not counted in ClinVar's aggregate classification.
Comment: DNA sequence analysis of the CSF3R gene demonstrated a sequence change, c.2069C>T, in exon 17 that results in an amino acid change, p.Thr690Met. This sequence change does not appear to have been previously described in individuals with CSF3R-related disorders. This sequence change has been described in the gnomAD database with a frequency of 0.003% in the overall population (dbSNP rs764345289). The p.Thr690Met change affects a poorly conserved amino acid residue located in a domain of the CSF3R protein that is not known to be functional. The p.Thr690Met substitution appears to be benign using several in-silico pathogenicity prediction tools (SIFT, PolyPhen2, Align GVGD, REVEL). Due to insufficient evidences and the lack of functional studies, the clinical significance of the p.Thr690Met change remains unknown at this time.

NM_000760.4(CSF3R):c.2069C>T (p.Thr690Met)

Gene: CSF3R (colony stimulating factor 3 receptor; minus strand). Cytogenetic location: 1p34.3.
Variant type: single nucleotide variant.
Coding change: c.2069C>T on transcript NM_000760.4 (MANE Select); coding-DNA position 2069, C replaced by T.
Protein change: p.Thr690Met; replaces threonine 690 with methionine.
Molecular consequence: missense variant.
Genome position (GRCh38, 1-based): chr1:36,466,799, G>A on the plus strand (C>T on the coding strand, the complement: CSF3R is on the minus strand). VCF-style: chr1-36466799-G-A. GRCh37 (hg19) VCF-style: chr1-36932400-G-A.
Other names: c.2150C>T, p.Thr717Met (NM_156039.3); c.2069C>T, p.Thr690Met (NM_172313.3); c.2069C>T (NM_000760.3); short protein forms T690M, T717M.
Identifiers: ClinVar variation 1379822 (VCV001379822.9), dbSNP rs764345289, ClinGen allele CA768957.